The following is an entry in ClinVar:

NM_005993.5(TBCD):c.2142C>G (p.Leu714=)

Gene: TBCD (tubulin folding cofactor D). Cytogenetic location: 17q25.3.
Variant type: single nucleotide variant.
Coding change: c.2142C>G on transcript NM_005993.5 (MANE Select); coding-DNA position 2142, C replaced by G.
Protein change: p.Leu714=; no amino-acid change (leucine 714 retained).
Molecular consequence: synonymous variant.
Genome position (GRCh38, 1-based): chr17:82,921,541, C>G. VCF-style: chr17-82921541-C-G. GRCh37 (hg19) VCF-style: chr17-80879417-C-G.
Identifiers: ClinVar variation 784747 (VCV000784747.12), dbSNP rs183314946, ClinGen allele CA8862953.

ClinVar aggregate classification (germline): Benign/Likely benign. Review status: criteria provided, multiple submitters, no conflicts (2 of 4 stars). 3 submissions from 3 submitters: Benign (1); Likely benign (2). Last evaluated 2026-07-01.

Allele frequency attached by ClinVar (database versions not stated): gnomAD 0.00007 and 0.00008; 1000 Genomes Project 30x 0.00016; 1000 Genomes Project 0.00020; TOPMed 0.00020; ExAC 0.00026; gnomAD exomes 0.00037.
gnomAD v4.1: 114 of 1,614,038 alleles (0.0071%); highest among the groups gnomAD compares: Admixed American, 0.18%; no homozygotes.

Submissions (3):

CeGaT Center for Human Genetics Tuebingen
Classification: Likely benign. Last evaluated: 2026-07-01. Review status: criteria provided, single submitter. Criteria: CeGaT Center For Human Genetics Tuebingen Variant Classification Criteria Version 2. Collection method: clinical testing. Allele origin: germline. Affected: yes. Observed: 1 variant allele.
Comment: TBCD: BP4, BP7

Labcorp Genetics (formerly Invitae), Labcorp
Classification: Benign. Last evaluated: 2025-03-05. Review status: criteria provided, single submitter. Criteria: Invitae Variant Classification Sherloc (09022015). Collection method: clinical testing. Allele origin: germline.

Blueprint Genetics
Classification: Likely benign. Last evaluated: 2023-11-29. Review status: criteria provided, single submitter. Criteria: ACMG Guidelines, 2015. Collection method: clinical testing. Allele origin: germline.